The following is an entry in ClinVar:

NM_001103.4(ACTN2):c.1307A>C (p.Glu436Ala)

Gene: ACTN2 (actinin alpha 2; plus strand). Cytogenetic location: 1q43.
Variant type: single nucleotide variant.
Coding change: c.1307A>C on transcript NM_001103.4 (MANE Select); coding-DNA position 1307, A replaced by C.
Protein change: p.Glu436Ala; replaces glutamic acid 436 with alanine.
Molecular consequence: missense variant.
Genome position (GRCh38, 1-based): chr1:236,744,677, A>C. VCF-style: chr1-236744677-A-C. GRCh37 (hg19) VCF-style: chr1-236907977-A-C.
Other names: p.E436A:GAG>GCG; c.1307A>C, p.Glu436Ala (NM_001278343.2); c.683A>C, p.Glu228Ala (NM_001278344.2); short protein forms E436A, E228A.
Identifiers: ClinVar variation 201638 (VCV000201638.17), dbSNP rs199955427, ClinGen allele CA335025.

ClinVar aggregate classification (germline): Conflicting classifications of pathogenicity. Review status: criteria provided, conflicting classifications (1 of 4 stars). 5 submissions from 5 submitters: Uncertain significance (3); Likely benign (2). Last evaluated 2026-03-18.

Conditions:
Primary familial hypertrophic cardiomyopathy (HCM). Identifiers: Orphanet 99739, MedGen C0949658, MeSH D024741, MONDO:0024573. Inheritance: Various modes of inheritance.
Dilated cardiomyopathy 1AA (CMD1AA). Also called: Cardiomyopathy, dilated, 1AA, with or without LVNC; CARDIOMYOPATHY, DILATED, 1AA, WITH OR WITHOUT LEFT VENTRICULAR NONCOMPACTION; CARDIOMYOPATHY, FAMILIAL HYPERTROPHIC, 23, WITH OR WITHOUT LEFT VENTRICULAR NONCOMPACTION. Identifiers: Orphanet 154, MedGen C2677338, MONDO:0012808, OMIM 612158.
Cardiovascular phenotype. Identifiers: MedGen CN230736.

Allele frequency attached by ClinVar (database versions not stated): gnomAD 0.00004 and 0.00005; TOPMed 0.00009; 1000 Genomes Project 30x 0.00016; 1000 Genomes Project 0.00020.
gnomAD v4.1: 22 of 1,614,230 alleles (0.0014%); highest among the groups gnomAD compares: East Asian, 0.047%; no homozygotes.

Submissions (5):

Women's Health and Genetics/Laboratory Corporation of America, LabCorp
Classification: Likely benign. Last evaluated: 2026-03-18. Review status: criteria provided, single submitter. Criteria: LabCorp Variant Classification Summary - May 2015. Collection method: clinical testing. Allele origin: germline.
Comment: Variant summary: ACTN2 c.1307A>C (p.Glu436Ala) results in a non-conservative amino acid change in the encoded protein sequence. Algorithms developed to predict the effect of missense changes on protein structure and function are either unavailable or do not agree on the potential impact of this missense change. The variant allele was found at a frequency of 5.6e-05 in 251324 control chromosomes. The observed variant frequency exceeds the estimated maximal expected allele frequency for disease-causing variants in ACTN2. c.1307A>C has been observed in individual(s) affected with Cardiomyopathy (Mazzarotto_2020). These report(s) do not provide unequivocal conclusions about association of the variant with Cardiomyopathy. To our knowledge, no experimental evidence demonstrating an impact on protein function has been reported. The following publication has been ascertained in the context of this evaluation (PMID: 31983221). ClinVar contains an entry for this variant (Variation ID: 201638). Based on the evidence outlined above, the variant was classified as likely benign.

Labcorp Genetics (formerly Invitae), Labcorp
Classification: Likely benign for Primary familial hypertrophic cardiomyopathy; Dilated cardiomyopathy 1AA. Last evaluated: 2025-11-01. Review status: criteria provided, single submitter. Criteria: Invitae Variant Classification Sherloc (09022015). Collection method: clinical testing. Allele origin: germline.

Ambry Genetics
Classification: Uncertain significance for Cardiovascular phenotype. Last evaluated: 2025-09-15. Review status: criteria provided, single submitter. Criteria: Ambry Variant Classification Scheme 2023. Collection method: clinical testing. Allele origin: germline.
Comment: The p.E436A variant (also known as c.1307A>C), located in coding exon 12 of the ACTN2 gene, results from an A to C substitution at nucleotide position 1307. The glutamic acid at codon 436 is replaced by alanine, an amino acid with dissimilar properties. This variant was reported in individual(s) with features consistent with dilated cardiomyopathy (DCM) (Mazzarotto F et al. Circulation, 2020 Feb;141:387-398). This amino acid position is highly conserved in available vertebrate species. In addition, the in silico prediction for this alteration is inconclusive. Based on the available evidence, the clinical significance of this variant remains unclear.

Molecular Diagnostic Laboratory for Inherited Cardiovascular Disease, Montreal Heart Institute
Classification: Uncertain significance for Primary familial hypertrophic cardiomyopathy. Last evaluated: 2017-04-10. Review status: criteria provided, single submitter. Criteria: ACMG Guidelines, 2015. Collection method: clinical testing. Allele origin: germline. Affected: yes.

GeneDx
Classification: Uncertain significance. Last evaluated: 2014-01-29. Review status: criteria provided, single submitter. Criteria: GeneDx Variant Classification (06012015). Collection method: clinical testing. Allele origin: germline. Affected: yes.
Comment: The E436A variant in the ACTN2 gene has not been reported as a disease-causing mutation or as a benign polymorphism to our knowledge. The E436A variant is a non-conservative amino acid substitution as these residues differ in polarity, charge, size and/or other properties and is more likely to impact secondary structure. The E436 residue is conserved across species. In silico analysis predicts E436A is possibly damaging to the protein structure/function. However, no mutations affecting nearby residues have been reported in association with cardiomyopathy, indicating this region of the protein may be tolerant of change. The E436A variant was identified with a frequency of 0.5%, 1/180 alleles, in a sub-population of individuals of Asian ancestry per the 1000 Genomes Project database. With the clinical and molecular information available at this time, we cannot definitively determine if E436A is a disease-causing mutation or a rare benign variant. The variant is found in DCM-CRDM panel(s).

Literature cited by the submitters: PubMed 31983221 (cited by Women's Health and Genetics/Laboratory Corporation of America, LabCorp and Ambry Genetics).